The following is an entry in ClinVar:

NM_022436.3(ABCG5):c.598C>T (p.Arg200Trp)

Genes: ABCG5 (ATP binding cassette subfamily G member 5; minus strand), DYNC2LI1 (dynein cytoplasmic 2 light intermediate chain 1; plus strand). Cytogenetic location: 2p21.
Variant type: single nucleotide variant.
Coding change: c.598C>T on transcript NM_022436.3 (MANE Select); coding-DNA position 598, C replaced by T.
Protein change: p.Arg200Trp; replaces arginine 200 with tryptophan.
Molecular consequence: missense variant. On other transcripts: 3 prime UTR variant (2).
Genome position (GRCh38, 1-based): chr2:43,828,019, G>A on the plus strand (C>T on the coding strand, the complement: ABCG5 is on the minus strand). VCF-style: chr2-43828019-G-A. GRCh37 (hg19) VCF-style: chr2-44055158-G-A.
Other names: c.*649G>A (NM_001348912.2, NM_001348913.2); short protein forms R200W.
Identifiers: ClinVar variation 2197072 (VCV002197072.2), dbSNP rs986330996, ClinGen allele CA46466279.
Genomic context (GRCh38, chr2:43,828,019, plus strand): 5'-GTAACAGTTCTGGGTGCCACTTACTAGGATCCTGGAGCAGCTGGGCTGCGATGGAGACCC[G>A]GCGCCGCTCACCCGTGGAAATGCCCCCCAAGCTGTAGTTGCCAATCAGTCGGTCTGCCAC-3'
Protein context (NP_071881.1, residues 190-210): LGGISTGERR[Arg200Trp]VSIAAQLLQD

ClinVar aggregate classification (germline): Uncertain significance (1 of 4 stars; one submission).

Conditions:
Sitosterolemia (STSL). Also called: PHYTOSTEROLEMIA. Identifiers: Orphanet 2882, MedGen C0342907, MONDO:0008863.

Submission:

Labcorp Genetics (formerly Invitae), Labcorp
Classification: Uncertain significance for Sitosterolemia. Last evaluated: 2024-05-08. Review status: criteria provided, single submitter. Criteria: Invitae Variant Classification Sherloc (09022015). Collection method: clinical testing. Allele origin: germline.
Comment: This sequence change replaces arginine, which is basic and polar, with tryptophan, which is neutral and slightly polar, at codon 200 of the ABCG5 protein (p.Arg200Trp). This variant is present in population databases (no rsID available, gnomAD 0.01%). This missense change has been observed in individual(s) with dyslipidemia (PMID: 32041611). ClinVar contains an entry for this variant (Variation ID: 2197072). An algorithm developed to predict the effect of missense changes on protein structure and function (PolyPhen-2) suggests that this variant is likely to be disruptive. In summary, the available evidence is currently insufficient to determine the role of this variant in disease. Therefore, it has been classified as a Variant of Uncertain Significance.

Literature cited by the submitters: PubMed 32041611.